The following is an entry in ClinVar:

NM_002246.3(KCNK3):c.1093G>A (p.Gly365Arg)

Gene: KCNK3 (potassium two pore domain channel subfamily K member 3; plus strand). Cytogenetic location: 2p23.3.
Variant type: single nucleotide variant.
Coding change: c.1093G>A on transcript NM_002246.3 (MANE Select); coding-DNA position 1093, G replaced by A.
Protein change: p.Gly365Arg; replaces glycine 365 with arginine.
Molecular consequence: missense variant.
Genome position (GRCh38, 1-based): chr2:26,728,476, G>A. VCF-style: chr2-26728476-G-A. GRCh37 (hg19) VCF-style: chr2-26951344-G-A.
Other names: short protein forms G365R.
Identifiers: ClinVar variation 1393826 (VCV001393826.10), dbSNP rs768903706, ClinGen allele CA1565600.
Genomic context (GRCh38, chr2:26,728,476, plus strand): 5'-TCGTCGCCGGGAGGGGGCGGCCGCTACAGCGACACGCCCTCGCGACGCTGCCTGTGCAGC[G>A]GGGCGCCACGCTCCGCCATCAGCTCGGTGTCCACGGGTCTGCACAGCCTGTCCACCTTCC-3'
Protein context (NP_002237.1, residues 355-375): DTPSRRCLCS[Gly365Arg]APRSAISSVS

ClinVar aggregate classification (germline): Uncertain significance. Review status: criteria provided, multiple submitters, no conflicts (2 of 4 stars). 2 submissions from 2 submitters: Uncertain significance (2). Last evaluated 2024-05-29.

Conditions:
Pulmonary hypertension, primary, 4. Identifiers: Orphanet 422, MedGen C3809198, MONDO:0014136, OMIM 615344.

Allele frequency attached by ClinVar (database versions not stated): gnomAD 0.00002 and 0.00003; TOPMed 0.00004.

Submissions (2):

Fulgent Genetics
Classification: Uncertain significance for Pulmonary hypertension, primary, 4. Last evaluated: 2024-05-29. Review status: criteria provided, single submitter. Criteria: ACMG Guidelines, 2015. Collection method: clinical testing. Allele origin: germline.

Labcorp Genetics (formerly Invitae), Labcorp
Classification: Uncertain significance for Pulmonary hypertension, primary, 4. Last evaluated: 2023-12-07. Review status: criteria provided, single submitter. Criteria: Invitae Variant Classification Sherloc (09022015). Collection method: clinical testing. Allele origin: germline.
Comment: This sequence change replaces glycine, which is neutral and non-polar, with arginine, which is basic and polar, at codon 365 of the KCNK3 protein (p.Gly365Arg). The frequency data for this variant in the population databases is considered unreliable, as metrics indicate poor data quality at this position in the gnomAD database. This variant has not been reported in the literature in individuals affected with KCNK3-related conditions. ClinVar contains an entry for this variant (Variation ID: 1393826). An algorithm developed to predict the effect of missense changes on protein structure and function (PolyPhen-2) suggests that this variant is likely to be tolerated. In summary, the available evidence is currently insufficient to determine the role of this variant in disease. Therefore, it has been classified as a Variant of Uncertain Significance.